The following is an entry in ClinVar:

NM_198253.3(TERT):c.119A>T (p.Gln40Leu)

Genes: TERT (telomerase reverse transcriptase; minus strand), LOC110806263 (TERT 5' regulatory region; plus strand). Cytogenetic location: 5p15.33.
Variant type: single nucleotide variant.
Coding change: c.119A>T on transcript NM_198253.3 (MANE Select); coding-DNA position 119, A replaced by T.
Protein change: p.Gln40Leu; replaces glutamine 40 with leucine.
Molecular consequence: missense variant. On other transcripts: non-coding transcript variant (2).
Genome position (GRCh38, 1-based): chr5:1,294,871, T>A on the plus strand (A>T on the coding strand, the complement: TERT is on the minus strand). VCF-style: chr5-1294871-T-A. GRCh37 (hg19) VCF-style: chr5-1294986-T-A.
Other names: c.119A>T, p.Gln40Leu (NM_001193376.3); short protein forms Q40L.
Identifiers: ClinVar variation 835469 (VCV000835469.7), dbSNP rs1751294652, ClinGen allele CA359059212.
Genomic context (GRCh38, chr5:1,294,871, plus strand): 5'-CAGGGCACGCACACCAGGCACTGGGCCACCAGCGCGCGGAAAGCCGCCGGGTCCCCGCGC[T>A]GCACCAGCCGCCAGCCCTGGGGCCCCAGGCGCCGCACGAACGTGGCCAGCGGCAGCACCT-3'
Protein context (NP_937983.2, residues 30-50): RLGPQGWRLV[Gln40Leu]RGDPAAFRAL

ClinVar aggregate classification (germline): Uncertain significance (1 of 4 stars; one submission).

Conditions:
Dyskeratosis congenita, autosomal dominant 2. Identifiers: MedGen C3151443, MONDO:0013521, OMIM 613989.
Idiopathic Pulmonary Fibrosis. Also called: Idiopathic fibrosing alveolitis, chronic form; idiopathic fibrosing alveolitis. Identifiers: Orphanet 2032, MedGen C1800706, MeSH D054990, MONDO:0800504.

Submission:

Labcorp Genetics (formerly Invitae), Labcorp
Classification: Uncertain significance for Dyskeratosis congenita, autosomal dominant 2; Idiopathic Pulmonary Fibrosis. Last evaluated: 2021-08-30. Review status: criteria provided, single submitter. Criteria: Invitae Variant Classification Sherloc (09022015). Collection method: clinical testing. Allele origin: germline.
Comment: This sequence change replaces glutamine with leucine at codon 40 of the TERT protein (p.Gln40Leu). The glutamine residue is weakly conserved and there is a moderate physicochemical difference between glutamine and leucine. The frequency data for this variant in the population databases is considered unreliable, as metrics indicate insufficient coverage at this position in the ExAC database. This variant has not been reported in the literature in individuals affected with TERT-related conditions. Algorithms developed to predict the effect of missense changes on protein structure and function are either unavailable or do not agree on the potential impact of this missense change (SIFT: "Deleterious"; PolyPhen-2: "Benign"; Align-GVGD: "Class C0"). In summary, the available evidence is currently insufficient to determine the role of this variant in disease. Therefore, it has been classified as a Variant of Uncertain Significance.